The following is an entry in ClinVar:

ClinVar aggregate classification (germline): Uncertain significance (1 of 4 stars; one submission).

gnomAD v4.1: 1 of 1,614,050 alleles (0.000062%); highest among the groups gnomAD compares: Non-Finnish European, 0.000085%; no homozygotes.

Submission:

GeneDx
Classification: Uncertain significance. Last evaluated: 2023-05-10. Review status: criteria provided, single submitter. Criteria: GeneDx Variant Classification Process June 2021. Collection method: clinical testing. Allele origin: germline. Affected: yes.
Comment: Not observed at significant frequency in large population cohorts (gnomAD); In silico analysis supports that this missense variant does not alter protein structure/function; Has not been previously published as pathogenic or benign to our knowledge

NM_001164760.2(PRKAR1B):c.470C>T (p.Thr157Ile)

Genes: PRKAR1B (protein kinase cAMP-dependent type I regulatory subunit beta; minus strand), PRKAR1B-AS1 (PRKAR1B antisense RNA 1; plus strand). Cytogenetic location: 7p22.3.
Variant type: single nucleotide variant.
Coding change: c.470C>T on transcript NM_001164760.2 (MANE Select); coding-DNA position 470, C replaced by T.
Protein change: p.Thr157Ile; replaces threonine 157 with isoleucine.
Molecular consequence: missense variant.
Genome position (GRCh38, 1-based): chr7:607,423, G>A on the plus strand (C>T on the coding strand, the complement: PRKAR1B is on the minus strand). VCF-style: chr7-607423-G-A. GRCh37 (hg19) VCF-style: chr7-647060-G-A.
Other names: c.470C>T, p.Thr157Ile (NM_001164758.2, NM_001164759.1, NM_001164761.2 and 2 more transcripts); short protein forms T157I.
Identifiers: ClinVar variation 3343467 (VCV003343467.1).
Genomic context (GRCh38, chr7:607,423, plus strand): 5'-TTGGCTCCGAGGAGCAGGCAGAACGTACCTTGCTGTATAACAGTCTCCCCAGCGATGTGA[G>A]TGACAGGGAACATGGCATCGAATATGTCACTGAAAAGCAAAACACGCCAAATTAGGGCTG-3'
Protein context (NP_001158232.1, residues 147-167): SDIFDAMFPV[Thr157Ile]HIAGETVIQQ